The following is an entry in ClinVar:

ClinVar aggregate classification (germline): Uncertain significance (1 of 4 stars; one submission).

Allele frequency attached by ClinVar (database versions not stated): gnomAD exomes below 0.00001.

Submission:

Labcorp Genetics (formerly Invitae), Labcorp
Classification: Uncertain significance. Last evaluated: 2022-03-04. Review status: criteria provided, single submitter. Criteria: Invitae Variant Classification Sherloc (09022015). Collection method: clinical testing. Allele origin: germline.
Comment: In summary, the available evidence is currently insufficient to determine the role of this variant in disease. Therefore, it has been classified as a Variant of Uncertain Significance. Algorithms developed to predict the effect of missense changes on protein structure and function (SIFT, PolyPhen-2, Align-GVGD) all suggest that this variant is likely to be disruptive. This variant has not been reported in the literature in individuals affected with MFF-related conditions. This variant is present in population databases (no rsID available, gnomAD 0.0009%). This sequence change replaces valine, which is neutral and non-polar, with alanine, which is neutral and non-polar, at codon 55 of the MFF protein (p.Val55Ala).

NM_001277062.2(MFF):c.86T>C (p.Val29Ala)

Gene: MFF (mitochondrial fission factor; plus strand). Cytogenetic location: 2q36.3.
Variant type: single nucleotide variant.
Coding change: c.86T>C on transcript NM_001277062.2 (MANE Select); coding-DNA position 86, T replaced by C.
Protein change: p.Val29Ala; replaces valine 29 with alanine.
Molecular consequence: missense variant. On other transcripts: intron variant (1).
Genome position (GRCh38, 1-based): chr2:227,330,751, T>C. VCF-style: chr2-227330751-T-C. GRCh37 (hg19) VCF-style: chr2-228195467-T-C.
Other names: c.164T>C, p.Val55Ala (NM_001277061.2, NM_020194.5); c.86T>C, p.Val29Ala (NM_001277063.2, NM_001277064.2, NM_001277065.2 and 2 more transcripts); c.-35-30T>C (NM_001277067.1); short protein forms V55A, V29A.
Identifiers: ClinVar variation 2054729 (VCV002054729.4), dbSNP rs1241384523, ClinGen allele CA350869338.
Genomic context (GRCh38, chr2:227,330,751, plus strand): 5'-ACGAAATGGAATATACTGAAGGCATTAGTCAGCGAATGAGGGTCCCAGAAAAGTTAAAAG[T>C]AGCACCGCCAAACGCTGACCTGGAACAAGGATTCCAAGAAGGAGTTCCAAATGCTAGTGT-3'
Protein context (NP_001263991.1, residues 19-39): QRMRVPEKLK[Val29Ala]APPNADLEQG